The following is an entry in ClinVar:

NC_000016.9:g.(?_68842317)_(68853338_?)dup

Gene: CDH1 (cadherin 1; plus strand). Cytogenetic location: 16q22.1.
Variant type: Duplication.
Identifiers: ClinVar variation 2425082 (VCV002425082.2).

ClinVar aggregate classification (germline): Likely pathogenic (1 of 4 stars; one submission).

Conditions:
Hereditary diffuse gastric adenocarcinoma (HDGC). Also called: DIFFUSE GASTRIC AND LOBULAR BREAST CANCER SYNDROME. Identifiers: Orphanet 26106, MedGen C1708349, MONDO:0007648, OMIM 137215.

Submission:

Labcorp Genetics (formerly Invitae), Labcorp
Classification: Likely pathogenic for Hereditary diffuse gastric adenocarcinoma. Last evaluated: 2022-01-17. Review status: criteria provided, single submitter. Criteria: Invitae Variant Classification Sherloc (09022015). Collection method: clinical testing. Allele origin: germline.
Comment: This variant has not been reported in the literature in individuals affected with CDH1-related conditions. This variant results in a copy number gain of the genomic region encompassing exon(s) 4-11 of the CDH1 gene. While the exact position of this variant cannot be determined from the data, sub-genic copy number gains are generally in tandem (PMID: 25640679). This variant is predicted to be out-of-frame, and may result in an absent or disrupted protein product. Loss-of-function variants in CDH1 are known to be pathogenic (PMID: 15235021, 20373070). In summary, the currently available evidence indicates that the variant is pathogenic, but additional data are needed to prove that conclusively. Therefore, this variant has been classified as Likely Pathogenic.

Literature cited by the submitters: PubMed 25640679; PubMed 15235021; PubMed 20373070.